The following is an entry in ClinVar:

NM_001172509.2(SATB2):c.1818G>T (p.Pro606=)

Genes: SATB2 (SATB homeobox 2; minus strand), LOC126806462 (MED14-independent group 3 enhancer GRCh37_chr2:200136608-200137807; plus strand). Cytogenetic location: 2q33.1.
Variant type: single nucleotide variant.
Coding change: c.1818G>T on transcript NM_001172509.2 (MANE Select); coding-DNA position 1818, G replaced by T.
Protein change: p.Pro606=; no amino-acid change (proline 606 retained).
Molecular consequence: synonymous variant.
Genome position (GRCh38, 1-based): chr2:199,272,595, C>A on the plus strand (G>T on the coding strand, the complement: SATB2 is on the minus strand). VCF-style: chr2-199272595-C-A. GRCh37 (hg19) VCF-style: chr2-200137318-C-A.
Other names: c.1818G>T, p.Pro606= (NM_001172517.1, NM_015265.4).
Identifiers: ClinVar variation 469545 (VCV000469545.49), dbSNP rs141436870, ClinGen allele CA2045787.

ClinVar aggregate classification (germline): Benign/Likely benign. Review status: criteria provided, multiple submitters, no conflicts (2 of 4 stars). 7 submissions from 7 submitters: Benign (1); Likely benign (5). 1 of the submissions does not count toward it. Last evaluated 2026-04-01.

Conditions:
SATB2-related disorder. Also called: SATB2-related condition.
Chromosome 2q32-q33 deletion syndrome (GLASS). Also called: Glass syndrome; 2q33.1 deletion syndrome. Identifiers: Orphanet 251019, MedGen C2676739, MONDO:0012864, OMIM 612313.
Inborn genetic diseases. Identifiers: MedGen C0950123, MeSH D030342.

Allele frequency attached by ClinVar (database versions not stated): 1000 Genomes Project 0.00060; TOPMed 0.00147; gnomAD 0.00166; ESP Exome Variant Server 0.00185.
gnomAD v4.1: 3,342 of 1,613,998 alleles (0.21%); highest among the groups gnomAD compares: Non-Finnish European, 0.24%; 8 homozygotes.

Submissions (10):

CeGaT Center for Human Genetics Tuebingen
Classification: Likely benign. Last evaluated: 2026-04-01. Review status: criteria provided, single submitter. Criteria: CeGaT Center For Human Genetics Tuebingen Variant Classification Criteria Version 2. Collection method: clinical testing. Allele origin: germline. Affected: yes. Observed: 11 variant alleles.
Comment: SATB2: BP4, BP7, BS1

Labcorp Genetics (formerly Invitae), Labcorp
Classification: Benign for Chromosome 2q32-q33 deletion syndrome. Last evaluated: 2026-02-02. Review status: criteria provided, single submitter. Criteria: Invitae Variant Classification Sherloc (09022015). Collection method: clinical testing. Allele origin: germline.

Blueprint Genetics
Classification: Likely benign. Last evaluated: 2024-11-08. Review status: criteria provided, single submitter. Criteria: ACMG Guidelines, 2015. Collection method: clinical testing. Allele origin: germline.

GeneDx
Classification: Likely benign. Last evaluated: 2020-09-23. Review status: criteria provided, single submitter. Criteria: GeneDx Variant Classification Process June 2021. Collection method: clinical testing. Allele origin: germline. Affected: yes.

Genetic Services Laboratory, University of Chicago
Classification: Likely benign. Last evaluated: 2020-05-11. Review status: criteria provided, single submitter. Criteria: ACMG Guidelines, 2015. Collection method: clinical testing. Allele origin: germline. Affected: no.

Ambry Genetics
Classification: Likely benign for Inborn genetic diseases. Last evaluated: 2017-02-11. Review status: criteria provided, single submitter. Criteria: Ambry Variant Classification Scheme 2023. Collection method: clinical testing. Allele origin: germline.

PreventionGenetics, part of Exact Sciences
Classification: Likely benign for SATB2-related condition. Last evaluated: 2019-12-26. Review status: no assertion criteria provided. Collection method: clinical testing. Allele origin: germline. Not counted in ClinVar's aggregate classification.
Comment: This variant is classified as likely benign based on ACMG/AMP sequence variant interpretation guidelines (Richards et al. 2015 PMID: 25741868, with internal and published modifications).

Dr. Peter K. Rogan Lab, Western University
No classification provided (evidence only). Condition: Clear cell carcinoma of kidney. Review status: no classification provided. Collection method: in vitro. Allele origin: not applicable. Functional consequence: retained intron. Not counted in ClinVar's aggregate classification.

Dr. Peter K. Rogan Lab, Western University
No classification provided (evidence only). Condition: Clear cell carcinoma of kidney. Review status: no classification provided. Collection method: in vitro. Allele origin: not applicable. Functional consequence: retained intron. Not counted in ClinVar's aggregate classification.

Dr. Peter K. Rogan Lab, Western University
No classification provided (evidence only). Condition: Hepatocellular carcinoma. Review status: no classification provided. Collection method: in vitro. Allele origin: not applicable. Functional consequence: retained intron. Not counted in ClinVar's aggregate classification.